The following is an entry in ClinVar:

NM_004113.6(FGF12):c.14-47558G>C

Gene: FGF12 (fibroblast growth factor 12; minus strand). Cytogenetic location: 3q28.
Variant type: single nucleotide variant.
Coding change: c.14-47558G>C on transcript NM_004113.6 (MANE Select); 47558 bases into the intron before coding-DNA position 14, G replaced by C.
Molecular consequence: intron variant. On other transcripts: missense variant (1).
Genome position (GRCh38, 1-based): chr3:192,408,096, C>G on the plus strand (G>C on the coding strand, the complement: FGF12 is on the minus strand). VCF-style: chr3-192408096-C-G. GRCh37 (hg19) VCF-style: chr3-192125885-C-G.
Other names: c.128G>C, p.Arg43Thr (NM_021032.5); c.-59-47558G>C (NM_001377293.1); c.14-72632G>C (NM_001377292.1); c.-60+1416G>C (NM_001377294.1); short protein forms R43T.
Identifiers: ClinVar variation 4619896 (VCV004619896.2).

ClinVar aggregate classification (germline): Uncertain significance. Review status: criteria provided, multiple submitters, no conflicts (2 of 4 stars). 2 submissions from 2 submitters: Uncertain significance (2). Last evaluated 2025-10-30.

Conditions:
Inborn genetic diseases. Identifiers: MedGen C0950123, MeSH D030342.

gnomAD v4.1: 5 of 1,613,260 alleles (0.00031%); highest among the groups gnomAD compares: Non-Finnish European, 0.00042%; no homozygotes.

Submissions (2):

Ambry Genetics
Classification: Uncertain significance for Inborn genetic diseases. Last evaluated: 2025-10-30. Review status: criteria provided, single submitter. Criteria: Ambry Variant Classification Scheme 2023. Collection method: clinical testing. Allele origin: germline.

Labcorp Genetics (formerly Invitae), Labcorp
Classification: Uncertain significance. Last evaluated: 2025-02-02. Review status: criteria provided, single submitter. Criteria: Invitae Variant Classification Sherloc (09022015). Collection method: clinical testing. Allele origin: germline.
Comment: This sequence change replaces arginine, which is basic and polar, with threonine, which is neutral and polar, at codon 43 of the FGF12 protein (p.Arg43Thr). This variant is not present in population databases (gnomAD no frequency). This variant has not been reported in the literature in individuals affected with FGF12-related conditions. An algorithm developed to predict the effect of missense changes on protein structure and function (PolyPhen-2) suggests that this variant is likely to be tolerated. In summary, the available evidence is currently insufficient to determine the role of this variant in disease. Therefore, it has been classified as a Variant of Uncertain Significance.